The following is an entry in ClinVar:

ClinVar aggregate classification (germline): Uncertain significance (1 of 4 stars; one submission).

Submission:

Ambry Genetics
Classification: Uncertain significance. Last evaluated: 2025-12-15. Review status: criteria provided, single submitter. Criteria: Ambry Variant Classification Scheme 2023. Collection method: clinical testing. Allele origin: germline.
Comment: The p.C4G variant (also known as c.10T>G), located in coding exon 1 of the MLH3 gene, results from a T to G substitution at nucleotide position 10. The cysteine at codon 4 is replaced by glycine, an amino acid with highly dissimilar properties. This amino acid position is conserved. In addition, the in silico prediction for this alteration is inconclusive. Since supporting evidence is limited at this time, the clinical significance of this alteration remains unclear.

NM_001040108.2(MLH3):c.10T>G (p.Cys4Gly)

Gene: MLH3 (mutL homolog 3; minus strand). Cytogenetic location: 14q24.3.
Variant type: single nucleotide variant.
Coding change: c.10T>G on transcript NM_001040108.2 (MANE Select); coding-DNA position 10, T replaced by G.
Protein change: p.Cys4Gly; replaces cysteine 4 with glycine.
Molecular consequence: missense variant.
Genome position (GRCh38, 1-based): chr14:75,049,646, A>C on the plus strand (T>G on the coding strand, the complement: MLH3 is on the minus strand). VCF-style: chr14-75049646-A-C. GRCh37 (hg19) VCF-style: chr14-75516349-A-C.
Other names: c.10T>G, p.Cys4Gly (NM_014381.3); short protein forms C4G.
Identifiers: ClinVar variation 2563548 (VCV002563548.3), dbSNP rs2503339754, ClinGen allele CA390452827.